The following is an entry in ClinVar:

ClinVar aggregate classification (germline): Uncertain significance (1 of 4 stars; one submission).

Submission:

GeneDx
Classification: Uncertain significance. Last evaluated: 2024-06-14. Review status: criteria provided, single submitter. Criteria: GeneDx Variant Classification Process June 2021. Collection method: clinical testing. Allele origin: germline. Affected: yes.
Comment: Not observed at significant frequency in large population cohorts (gnomAD); In silico analysis indicates that this missense variant does not alter protein structure/function; Has not been previously published as pathogenic or benign to our knowledge

NM_021072.4(HCN1):c.2465T>A (p.Val822Asp)

Gene: HCN1 (hyperpolarization activated cyclic nucleotide gated potassium channel 1; minus strand). Cytogenetic location: 5p12.
Variant type: single nucleotide variant.
Coding change: c.2465T>A on transcript NM_021072.4 (MANE Select); coding-DNA position 2465, T replaced by A.
Protein change: p.Val822Asp; replaces valine 822 with aspartic acid.
Molecular consequence: missense variant.
Genome position (GRCh38, 1-based): chr5:45,262,129, A>T on the plus strand (T>A on the coding strand, the complement: HCN1 is on the minus strand). VCF-style: chr5-45262129-A-T. GRCh37 (hg19) VCF-style: chr5-45262231-A-T.
Other names: short protein forms V822D.
Identifiers: ClinVar variation 3391567 (VCV003391567.1).